The following is an entry in ClinVar:

ClinVar aggregate classification (germline): Pathogenic. Review status: criteria provided, single submitter (1 of 4 stars). 2 submissions from 2 submitters: Pathogenic (1). 1 of the submissions does not count toward it. Last evaluated 2023-05-11.

Conditions:
Familial adenomatous polyposis 1 (FAP1). Also called: POLYPOSIS, ADENOMATOUS INTESTINAL; FAMILIAL ADENOMATOUS POLYPOSIS 1, ATTENUATED. Identifiers: MedGen C2713442, MONDO:0021056, OMIM 175100. Disease mechanism: loss of function.

Submissions (2):

Myriad Genetics, Inc.
Classification: Pathogenic for Familial adenomatous polyposis 1. Last evaluated: 2023-05-11. Review status: criteria provided, single submitter. Criteria: Myriad Autosomal Dominant, Autosomal Recessive and X-Linked Classification Criteria (2023). Collection method: clinical testing. Allele origin: unknown.
Comment: This variant is considered pathogenic. This variant creates a termination codon and is predicted to result in premature protein truncation.

Department of Pathology and Laboratory Medicine, Sinai Health System
Classification: Uncertain significance. Review status: no assertion criteria provided. Collection method: clinical testing. Allele origin: unknown. Affected: yes. Observed: 2 variant alleles. Study: The Canadian Open Genetics Repository (COGR). Not counted in ClinVar's aggregate classification.

NM_000038.6(APC):c.4606G>T (p.Glu1536Ter)

Gene: APC (APC regulator of Wnt signaling pathway; plus strand). Cytogenetic location: 5q22.2.
Variant type: single nucleotide variant.
Coding change: c.4606G>T on transcript NM_000038.6 (MANE Select); coding-DNA position 4606, G replaced by T.
Protein change: p.Glu1536Ter; replaces glutamic acid 1536 with a stop codon.
Molecular consequence: nonsense.
Genome position (GRCh38, 1-based): chr5:112,840,200, G>T. VCF-style: chr5-112840200-G-T. GRCh37 (hg19) VCF-style: chr5-112175897-G-T.
Other names: c.4606G>T, p.Glu1536Ter (NM_001127510.3, NM_001354895.2); c.4552G>T, p.Glu1518Ter (NM_001127511.3); c.4660G>T, p.Glu1554Ter (NM_001354896.2); c.4636G>T, p.Glu1546Ter (NM_001354897.2); c.4531G>T, p.Glu1511Ter (NM_001354898.2); c.4522G>T, p.Glu1508Ter (NM_001354899.2); c.4483G>T, p.Glu1495Ter (NM_001354900.2); c.4429G>T, p.Glu1477Ter (NM_001354901.2); and 5 more; short protein forms E1253*, E1376*, E1410*, E1435*, E1445*, E1477*, E1495*, E1508*.
Identifiers: ClinVar variation 1050551 (VCV001050551.3), dbSNP rs1554086001, ClinGen allele CA16031422.